The following is an entry in ClinVar:

NM_014811.5(PPP1R26):c.2904G>A (p.Gly968=)

Gene: PPP1R26 (protein phosphatase 1 regulatory subunit 26; plus strand). Cytogenetic location: 9q34.3.
Variant type: single nucleotide variant.
Coding change: c.2904G>A on transcript NM_014811.5 (MANE Select); coding-DNA position 2904, G replaced by A.
Protein change: p.Gly968=; no amino-acid change (glycine 968 retained).
Molecular consequence: synonymous variant.
Genome position (GRCh38, 1-based): chr9:135,487,414, G>A. VCF-style: chr9-135487414-G-A. GRCh37 (hg19) VCF-style: chr9-138379260-G-A.
Identifiers: ClinVar variation 2659709 (VCV002659709.24), dbSNP rs143121134, ClinGen allele CA5323341.

ClinVar aggregate classification (germline): Likely benign (1 of 4 stars; one submission).

Allele frequency attached by ClinVar (database versions not stated): 1000 Genomes Project 30x 0.00109; 1000 Genomes Project 0.00120; ExAC 0.00231; ESP Exome Variant Server 0.00236; TOPMed 0.00263; gnomAD 0.00269; gnomAD exomes 0.00414.
gnomAD v4.1: 6,330 of 1,600,274 alleles (0.4%); highest among the groups gnomAD compares: Non-Finnish European, 0.47%; 16 homozygotes.

Submission:

CeGaT Center for Human Genetics Tuebingen
Classification: Likely benign. Last evaluated: 2023-01-01. Review status: criteria provided, single submitter. Criteria: CeGaT Center For Human Genetics Tuebingen Variant Classification Criteria Version 2. Collection method: clinical testing. Allele origin: germline. Affected: yes. Observed: 1 variant allele.
Comment: PPP1R26: BP4, BP7